The following is an entry in ClinVar:

NM_139027.6(ADAMTS13):c.2303G>A (p.Arg768His)

Gene: ADAMTS13 (ADAM metallopeptidase with thrombospondin type 1 motif 13; plus strand). Cytogenetic location: 9q34.2.
Variant type: single nucleotide variant.
Coding change: c.2303G>A on transcript NM_139027.6 (MANE Select); coding-DNA position 2303, G replaced by A.
Protein change: p.Arg768His; replaces arginine 768 with histidine.
Molecular consequence: missense variant.
Genome position (GRCh38, 1-based): chr9:133,443,444, G>A. VCF-style: chr9-133443444-G-A. GRCh37 (hg19) VCF-style: chr9-136308565-G-A.
Other names: p.Arg768His; c.2303G>A, p.Arg768His (NM_139025.5); c.2210G>A, p.Arg737His (NM_139026.6); short protein forms R768H, R737H.
Identifiers: ClinVar variation 2354289 (VCV002354289.3), dbSNP rs369510827, ClinGen allele CA200934808.
Genomic context (GRCh38, chr9:133,443,444, plus strand): 5'-TGGGAGACTTCGGCCCATGCAGCGCCTCCTGTGGGGGTGGCCTGCGGGAGCGGCCAGTGC[G>A]CTGCGTGGAGGCCCAGGGCAGCCTCCTGAAGACATTGCCCCCAGCCCGGTGCAGAGCAGG-3'
Protein context (NP_620596.2, residues 758-778): CGGGLRERPV[Arg768His]CVEAQGSLLK

ClinVar aggregate classification (germline): Conflicting classifications of pathogenicity. Review status: criteria provided, conflicting classifications (1 of 4 stars). 2 submissions from 2 submitters: Uncertain significance (1); Likely benign (1). Last evaluated 2022-12-02.

Conditions:
Inborn genetic diseases. Identifiers: MedGen C0950123, MeSH D030342.

Allele frequency attached by ClinVar (database versions not stated): gnomAD exomes 0.00003; ExAC 0.00011; gnomAD 0.00013; ESP Exome Variant Server 0.00016; TOPMed 0.00020.
gnomAD v4.1: 62 of 1,593,556 alleles (0.0039%); highest among the groups gnomAD compares: African/African-American, 0.044%; no homozygotes.

Submissions (2):

Ambry Genetics
Classification: Likely benign for Inborn genetic diseases. Last evaluated: 2022-12-02. Review status: criteria provided, single submitter. Criteria: Ambry Variant Classification Scheme 2023. Collection method: clinical testing. Allele origin: germline.

Mayo Clinic Laboratories, Mayo Clinic
Classification: Uncertain significance. Last evaluated: 2022-07-12. Review status: criteria provided, single submitter. Criteria: ACMG Guidelines, 2015. Collection method: clinical testing. Allele origin: germline. Observed: 3 variant alleles.
Comment: BP4